The following is an entry in ClinVar:

NM_000465.4(BARD1):c.323G>A (p.Cys108Tyr)

Gene: BARD1 (BRCA1 associated RING domain 1; minus strand). Cytogenetic location: 2q35.
Variant type: single nucleotide variant.
Coding change: c.323G>A on transcript NM_000465.4 (MANE Select); coding-DNA position 323, G replaced by A.
Protein change: p.Cys108Tyr; replaces cysteine 108 with tyrosine.
Molecular consequence: missense variant. On other transcripts: non-coding transcript variant (1), intron variant (2).
Genome position (GRCh38, 1-based): chr2:214,792,338, C>T on the plus strand (G>A on the coding strand, the complement: BARD1 is on the minus strand). VCF-style: chr2-214792338-C-T. GRCh37 (hg19) VCF-style: chr2-215657062-C-T.
Other names: c.266G>A, p.Cys89Tyr (NM_001282543.2); c.323G>A, p.Cys108Tyr (NM_001282549.2); c.158+17074G>A (NM_001282548.2); c.215+4723G>A (NM_001282545.2); short protein forms C108Y, C89Y.
Identifiers: ClinVar variation 4741714 (VCV004741714.1).

ClinVar aggregate classification (germline): Uncertain significance (1 of 4 stars; one submission).

Conditions:
Familial cancer of breast. Also called: BREAST CANCER, FAMILIAL; Hereditary breast cancer; hereditary breast carcinoma. Identifiers: Orphanet 227535, MedGen C0346153, MONDO:0016419, OMIM 114480. Disease mechanism: loss of function.

Submission:

Labcorp Genetics (formerly Invitae), Labcorp
Classification: Uncertain significance for Familial cancer of breast. Last evaluated: 2025-10-08. Review status: criteria provided, single submitter. Criteria: Invitae Variant Classification Sherloc (09022015). Collection method: clinical testing. Allele origin: germline.
Comment: This sequence change replaces cysteine, which is neutral and slightly polar, with tyrosine, which is neutral and polar, at codon 108 of the BARD1 protein (p.Cys108Tyr). This variant is not present in population databases (gnomAD no frequency). This variant has not been reported in the literature in individuals affected with BARD1-related conditions. An algorithm developed to predict the effect of missense changes on protein structure and function outputs the following: PolyPhen-2: "Benign". The tyrosine amino acid residue is found in multiple mammalian species, which suggests that this missense change does not adversely affect protein function. In summary, the available evidence is currently insufficient to determine the role of this variant in disease. Therefore, it has been classified as a Variant of Uncertain Significance.